The following is an entry in ClinVar:

NM_015909.4(NBAS):c.6253C>T (p.Pro2085Ser)

Gene: NBAS (NBAS subunit of NRZ tethering complex; minus strand). Cytogenetic location: 2p24.3.
Variant type: single nucleotide variant.
Coding change: c.6253C>T on transcript NM_015909.4 (MANE Select); coding-DNA position 6253, C replaced by T.
Protein change: p.Pro2085Ser; replaces proline 2085 with serine.
Molecular consequence: missense variant.
Genome position (GRCh38, 1-based): chr2:15,218,952, G>A on the plus strand (C>T on the coding strand, the complement: NBAS is on the minus strand). VCF-style: chr2-15218952-G-A. GRCh37 (hg19) VCF-style: chr2-15359076-G-A.
Other names: short protein forms P2085S.
Identifiers: ClinVar variation 1480763 (VCV001480763.6), dbSNP rs2147885110, ClinGen allele CA345885135.

ClinVar aggregate classification (germline): Uncertain significance (1 of 4 stars; one submission).

Submission:

Labcorp Genetics (formerly Invitae), Labcorp
Classification: Uncertain significance. Last evaluated: 2021-10-11. Review status: criteria provided, single submitter. Criteria: Invitae Variant Classification Sherloc (09022015). Collection method: clinical testing. Allele origin: germline.
Comment: In summary, the available evidence is currently insufficient to determine the role of this variant in disease. Therefore, it has been classified as a Variant of Uncertain Significance. Algorithms developed to predict the effect of missense changes on protein structure and function output the following: SIFT: "Deleterious"; PolyPhen-2: "Benign"; Align-GVGD: "Class C65". The serine amino acid residue is found in multiple mammalian species, which suggests that this missense change does not adversely affect protein function. This variant has not been reported in the literature in individuals affected with NBAS-related conditions. This variant is not present in population databases (ExAC no frequency). This sequence change replaces proline with serine at codon 2085 of the NBAS protein (p.Pro2085Ser). The proline residue is highly conserved and there is a moderate physicochemical difference between proline and serine.